The following is an entry in ClinVar:

ClinVar aggregate classification (germline): Uncertain significance (1 of 4 stars; one submission).

Allele frequency attached by ClinVar (database versions not stated): gnomAD 0.00001.
gnomAD v4.1: 14 of 1,613,714 alleles (0.00087%); highest among the groups gnomAD compares: Admixed American, 0.0017%; no homozygotes.

Submission:

GeneDx
Classification: Uncertain significance. Last evaluated: 2019-12-27. Review status: criteria provided, single submitter. Criteria: GeneDx Variant Classification Process June 2021. Collection method: clinical testing. Allele origin: germline. Affected: yes.
Comment: Has not been previously published as pathogenic or benign to our knowledge; Not observed at a significant frequency in large population cohorts (Lek et al., 2016); In silico analysis, which includes splice predictors and evolutionary conservation, suggests this variant may impact gene splicing; in the absence of RNA/functional studies, the actual effect of this sequence change is unknown

NM_001267550.2(TTN):c.11689G>T (p.Asp3897Tyr)

Gene: TTN (titin; minus strand). Cytogenetic location: 2q31.2.
Variant type: single nucleotide variant.
Coding change: c.11689G>T on transcript NM_001267550.2 (MANE Select); coding-DNA position 11689, G replaced by T.
Protein change: p.Asp3897Tyr; replaces aspartic acid 3897 with tyrosine.
Molecular consequence: missense variant. On other transcripts: intron variant (1).
Genome position (GRCh38, 1-based): chr2:178,741,544, C>A on the plus strand (G>T on the coding strand, the complement: TTN is on the minus strand). VCF-style: chr2-178741544-C-A. GRCh37 (hg19) VCF-style: chr2-179606271-C-A.
Other names: c.10738G>T, p.Asp3580Tyr (NM_001256850.1); c.10600G>T, p.Asp3534Tyr (NM_003319.4); c.10975G>T, p.Asp3659Tyr (NM_133432.3); c.11176G>T, p.Asp3726Tyr (NM_133437.4); c.10361-3184G>T (NM_133378.4); short protein forms D3534Y, D3580Y, D3659Y, D3726Y, D3897Y.
Identifiers: ClinVar variation 1311506 (VCV001311506.2), dbSNP rs1300532206, ClinGen allele CA349620022.